The following is an entry in ClinVar:

ClinVar aggregate classification (germline): Uncertain significance (1 of 4 stars; one submission).

Submission:

GeneDx
Classification: Uncertain significance. Last evaluated: 2025-01-23. Review status: criteria provided, single submitter. Criteria: GeneDx Variant Classification Process June 2021. Collection method: clinical testing. Allele origin: germline. Affected: yes.
Comment: Not observed at significant frequency in large population cohorts (gnomAD); In silico analysis supports that this missense variant has a deleterious effect on protein structure/function; Has not been previously published as pathogenic or benign to our knowledge

NM_000038.6(APC):c.2694T>A (p.His898Gln)

Gene: APC (APC regulator of Wnt signaling pathway; plus strand). Cytogenetic location: 5q22.2.
Variant type: single nucleotide variant.
Coding change: c.2694T>A on transcript NM_000038.6 (MANE Select); coding-DNA position 2694, T replaced by A.
Protein change: p.His898Gln; replaces histidine 898 with glutamine.
Molecular consequence: missense variant. On other transcripts: non-coding transcript variant (2).
Genome position (GRCh38, 1-based): chr5:112,838,288, T>A. VCF-style: chr5-112838288-T-A. GRCh37 (hg19) VCF-style: chr5-112173985-T-A.
Other names: c.2694T>A, p.His898Gln (NM_001127510.3, NM_001354895.2, NM_001407450.1); c.2640T>A, p.His880Gln (NM_001127511.3); c.2748T>A, p.His916Gln (NM_001354896.2, NM_001407447.1, NM_001407448.1 and 1 more transcripts); c.2724T>A, p.His908Gln (NM_001354897.2); c.2619T>A, p.His873Gln (NM_001354898.2); c.2610T>A, p.His870Gln (NM_001354899.2); c.2571T>A, p.His857Gln (NM_001354900.2); c.2517T>A, p.His839Gln (NM_001354901.2, NM_001407453.1); and 11 more; short protein forms H514Q, H615Q, H738Q, H769Q, H772Q, H797Q, H807Q, H815Q.
Identifiers: ClinVar variation 4071797 (VCV004071797.1).